The following is an entry in ClinVar:

NM_145064.3(STAC3):c.24G>C (p.Glu8Asp)

Gene: STAC3 (SH3 and cysteine rich domain 3; minus strand). Cytogenetic location: 12q13.3.
Variant type: single nucleotide variant.
Coding change: c.24G>C on transcript NM_145064.3 (MANE Select); coding-DNA position 24, G replaced by C.
Protein change: p.Glu8Asp; replaces glutamic acid 8 with aspartic acid.
Molecular consequence: missense variant. On other transcripts: intron variant (2).
Genome position (GRCh38, 1-based): chr12:57,249,613, C>G on the plus strand (G>C on the coding strand, the complement: STAC3 is on the minus strand). VCF-style: chr12-57249613-C-G. GRCh37 (hg19) VCF-style: chr12-57643396-C-G.
Other names: c.-127+1380G>C (NM_001286257.2); c.-51-305G>C (NM_001286256.2); short protein forms E8D.
Identifiers: ClinVar variation 1516892 (VCV001516892.6), dbSNP rs2136837458, ClinGen allele CA385418572.

ClinVar aggregate classification (germline): Uncertain significance (1 of 4 stars; one submission).

Conditions:
Bailey-Bloch congenital myopathy (CMYO13). Also called: Native American myopathy; STAC3 disorder; Congenital myopathy 13. Identifiers: Orphanet 168572, MedGen C1850625, MONDO:0009722, OMIM 255995.

Submission:

Labcorp Genetics (formerly Invitae), Labcorp
Classification: Uncertain significance for Bailey-Bloch congenital myopathy. Last evaluated: 2021-10-06. Review status: criteria provided, single submitter. Criteria: Invitae Variant Classification Sherloc (09022015). Collection method: clinical testing. Allele origin: germline.
Comment: In summary, the available evidence is currently insufficient to determine the role of this variant in disease. Therefore, it has been classified as a Variant of Uncertain Significance. Algorithms developed to predict the effect of missense changes on protein structure and function output the following: SIFT: "Deleterious"; PolyPhen-2: "Benign"; Align-GVGD: "Class C0". The aspartic acid amino acid residue is found in multiple mammalian species, which suggests that this missense change does not adversely affect protein function. This variant has not been reported in the literature in individuals affected with STAC3-related conditions. This variant is not present in population databases (ExAC no frequency). This sequence change replaces glutamic acid with aspartic acid at codon 8 of the STAC3 protein (p.Glu8Asp). The glutamic acid residue is moderately conserved and there is a small physicochemical difference between glutamic acid and aspartic acid.